The following is an entry in ClinVar:

NM_001128.6(AP1G1):c.1618A>C (p.Thr540Pro)

Gene: AP1G1 (adaptor related protein complex 1 subunit gamma 1; minus strand). Cytogenetic location: 16q22.2.
Variant type: single nucleotide variant.
Coding change: c.1618A>C on transcript NM_001128.6 (MANE Select); coding-DNA position 1618, A replaced by C.
Protein change: p.Thr540Pro; replaces threonine 540 with proline.
Molecular consequence: missense variant.
Genome position (GRCh38, 1-based): chr16:71,748,258, T>G on the plus strand (A>C on the coding strand, the complement: AP1G1 is on the minus strand). VCF-style: chr16-71748258-T-G. GRCh37 (hg19) VCF-style: chr16-71782161-T-G.
Other names: c.1627A>C, p.Thr543Pro (NM_001030007.2); short protein forms T540P, T543P.
Identifiers: ClinVar variation 4996097 (VCV004996097.1).

ClinVar aggregate classification (germline): Uncertain significance (1 of 4 stars; one submission).

Conditions:
AP1G1-related disorder. Also called: AP1G1-related condition.

Submission:

PreventionGenetics, part of Exact Sciences
Classification: Uncertain significance for AP1G1-related condition. Last evaluated: 2026-01-22. Review status: criteria provided, single submitter. Criteria: ACMG Guidelines, 2015. Collection method: clinical testing. Allele origin: germline.
Comment: The AP1G1 c.1627A>C variant is predicted to result in the amino acid substitution p.Thr543Pro. To our knowledge, this variant has not been reported in the literature or in a large population database (gnomAD), indicating this variant is rare. At this time, the clinical significance of this variant is uncertain due to the absence of conclusive functional and genetic evidence.